The following is an entry in ClinVar:

NM_033100.4(CDHR1):c.382G>T (p.Ala128Ser)

Gene: CDHR1 (cadherin related family member 1; plus strand). Cytogenetic location: 10q23.1.
Variant type: single nucleotide variant.
Coding change: c.382G>T on transcript NM_033100.4 (MANE Select); coding-DNA position 382, G replaced by T.
Protein change: p.Ala128Ser; replaces alanine 128 with serine.
Molecular consequence: missense variant.
Genome position (GRCh38, 1-based): chr10:84,199,065, G>T. VCF-style: chr10-84199065-G-T. GRCh37 (hg19) VCF-style: chr10-85958821-G-T.
Other names: c.382G>T, p.Ala128Ser (NM_001171971.3); short protein forms A128S.
Identifiers: ClinVar variation 1027114 (VCV001027114.9), dbSNP rs1377926249, ClinGen allele CA377371010.

ClinVar aggregate classification (germline): Uncertain significance. Review status: criteria provided, multiple submitters, no conflicts (2 of 4 stars). 2 submissions from 2 submitters: Uncertain significance (2). Last evaluated 2020-07-02.

Allele frequency attached by ClinVar (database versions not stated): gnomAD 0.00001; gnomAD exomes 0.00001; TOPMed 0.00001.

Submissions (2):

Labcorp Genetics (formerly Invitae), Labcorp
Classification: Uncertain significance. Last evaluated: 2020-07-02. Review status: criteria provided, single submitter. Criteria: Invitae Variant Classification Sherloc (09022015). Collection method: clinical testing. Allele origin: germline.
Comment: This sequence change replaces alanine with serine at codon 128 of the CDHR1 protein (p.Ala128Ser). The alanine residue is highly conserved and there is a moderate physicochemical difference between alanine and serine. This variant is not present in population databases (ExAC no frequency). This variant has not been reported in the literature in individuals with CDHR1-related conditions. Algorithms developed to predict the effect of missense changes on protein structure and function are either unavailable or do not agree on the potential impact of this missense change (SIFT: "Deleterious"; PolyPhen-2: "Possibly Damaging"; Align-GVGD: "Class C0"). In summary, the available evidence is currently insufficient to determine the role of this variant in disease. Therefore, it has been classified as a Variant of Uncertain Significance.

Blueprint Genetics
Classification: Uncertain significance. Last evaluated: 2019-06-25. Review status: criteria provided, single submitter. Criteria: ACMG Guidelines, 2015. Collection method: clinical testing. Allele origin: germline.